The following is an entry in ClinVar:

ClinVar aggregate classification (germline): Uncertain significance. Review status: criteria provided, multiple submitters, no conflicts (2 of 4 stars). 2 submissions from 2 submitters: Uncertain significance (2). Last evaluated 2025-11-05.

Conditions:
Bardet-Biedl syndrome 7 (BBS7). Identifiers: Orphanet 110, MedGen C1859565, MONDO:0014435, OMIM 615984.
BBS7-related disorder. Also called: BBS7-related condition.

gnomAD v4.1: 1 of 1,612,768 alleles (0.000062%); highest among the groups gnomAD compares: Admixed American, 0.0017%; no homozygotes.

Submissions (2):

PreventionGenetics, part of Exact Sciences
Classification: Uncertain significance for BBS7-related condition. Last evaluated: 2025-11-05. Review status: criteria provided, single submitter. Criteria: ACMG Guidelines, 2015. Collection method: clinical testing. Allele origin: germline.
Comment: The BBS7 c.1175C>A variant is predicted to result in the amino acid substitution p.Ala392Asp. To our knowledge, this variant has not been reported in the literature or in a large population database (gnomAD), indicating this variant is rare. At this time, the clinical significance of this variant is uncertain due to the absence of conclusive functional and genetic evidence.

Fulgent Genetics
Classification: Uncertain significance for Bardet-Biedl syndrome 7. Last evaluated: 2024-04-12. Review status: criteria provided, single submitter. Criteria: ACMG Guidelines, 2015. Collection method: clinical testing. Allele origin: germline.

NM_176824.3(BBS7):c.1175C>A (p.Ala392Asp)

Gene: BBS7 (Bardet-Biedl syndrome 7; minus strand). Cytogenetic location: 4q27.
Variant type: single nucleotide variant.
Coding change: c.1175C>A on transcript NM_176824.3 (MANE Select); coding-DNA position 1175, C replaced by A.
Protein change: p.Ala392Asp; replaces alanine 392 with aspartic acid.
Molecular consequence: missense variant.
Genome position (GRCh38, 1-based): chr4:121,845,559, G>T on the plus strand (C>A on the coding strand, the complement: BBS7 is on the minus strand). VCF-style: chr4-121845559-G-T. GRCh37 (hg19) VCF-style: chr4-122766714-G-T.
Other names: c.1175C>A (NM_176824.2); c.1175C>A, p.Ala392Asp (NM_018190.4); short protein forms A392D.
Identifiers: ClinVar variation 3589796 (VCV003589796.2).
Genomic context (GRCh38, chr4:121,845,559, plus strand): 5'-CTTACCTGTATTAAGACATTATCTATTGCAGTCTGTACCTCTAAGATAAGGCTGTAACTG[G>T]CATCATCTTTATTTAGTGTAAATTTATCATTTATACCAAAGGAAGGTACTGCTGATTTTG-3'
Protein context (NP_789794.1, residues 382-402): NDKFTLNKDD[Ala392Asp]SYSLILEVQT